The following is an entry in ClinVar:

NM_198578.4(LRRK2):c.5044C>T (p.Leu1682Phe)

Gene: LRRK2 (leucine rich repeat kinase 2; plus strand). Cytogenetic location: 12q12.
Variant type: single nucleotide variant.
Coding change: c.5044C>T on transcript NM_198578.4 (MANE Select); coding-DNA position 5044, C replaced by T.
Protein change: p.Leu1682Phe; replaces leucine 1682 with phenylalanine.
Molecular consequence: missense variant.
Genome position (GRCh38, 1-based): chr12:40,321,062, C>T. VCF-style: chr12-40321062-C-T. GRCh37 (hg19) VCF-style: chr12-40714864-C-T.
Other names: short protein forms L1682F.
Identifiers: ClinVar variation 2453142 (VCV002453142.2), dbSNP rs2499878328, ClinGen allele CA384419868.

ClinVar aggregate classification (germline): Uncertain significance (1 of 4 stars; one submission).

Conditions:
Inborn genetic diseases. Identifiers: MedGen C0950123, MeSH D030342.

Submission:

Ambry Genetics
Classification: Uncertain significance for Inborn genetic diseases. Last evaluated: 2023-03-05. Review status: criteria provided, single submitter. Criteria: Ambry Variant Classification Scheme 2023. Collection method: clinical testing. Allele origin: germline.
Comment: The p.L1682F variant (also known as c.5044C>T), located in coding exon 35 of the LRRK2 gene, results from a C to T substitution at nucleotide position 5044. The leucine at codon 1682 is replaced by phenylalanine, an amino acid with highly similar properties. This amino acid position is conserved. In addition, this alteration is predicted to be deleterious by in silico analysis. Since supporting evidence is limited at this time, the clinical significance of this alteration remains unclear.